The following is an entry in ClinVar:

ClinVar aggregate classification (germline): Uncertain significance. Review status: criteria provided, multiple submitters, no conflicts (2 of 4 stars). 3 submissions from 3 submitters: Uncertain significance (2). 1 of the submissions does not count toward it. Last evaluated 2022-08-09.

Conditions:
Neuronal ceroid lipofuscinosis. Also called: Neuronal Ceroid Lipofuscinoses. Identifiers: Orphanet 216, Orphanet 79263, MedGen C0027877, MONDO:0016295. Disease mechanism: loss of function.

Allele frequency attached by ClinVar (database versions not stated): ExAC 0.00001; gnomAD 0.00001; TOPMed 0.00001; gnomAD exomes 0.00003; ESP Exome Variant Server 0.00008.

Submissions (3):

Labcorp Genetics (formerly Invitae), Labcorp
Classification: Uncertain significance for Neuronal ceroid lipofuscinosis. Last evaluated: 2022-08-09. Review status: criteria provided, single submitter. Criteria: Invitae Variant Classification Sherloc (09022015). Collection method: clinical testing. Allele origin: germline.
Comment: This sequence change replaces arginine, which is basic and polar, with lysine, which is basic and polar, at codon 307 of the CLN5 protein (p.Arg307Lys). This variant is present in population databases (rs376675270, gnomAD 0.007%). This variant has not been reported in the literature in individuals affected with CLN5-related conditions. ClinVar contains an entry for this variant (Variation ID: 423209). Algorithms developed to predict the effect of missense changes on protein structure and function output the following: SIFT: "Tolerated"; PolyPhen-2: "Benign"; Align-GVGD: "Class C0". The lysine amino acid residue is found in multiple mammalian species, which suggests that this missense change does not adversely affect protein function. In summary, the available evidence is currently insufficient to determine the role of this variant in disease. Therefore, it has been classified as a Variant of Uncertain Significance.

GeneDx
Classification: Uncertain significance. Last evaluated: 2017-01-27. Review status: criteria provided, single submitter. Criteria: GeneDx Variant Classification (06012015). Collection method: clinical testing. Allele origin: germline. Affected: yes.
Comment: A variant of uncertain significance has been identified in the CLN5 gene. The R307K variant has not been published as a pathogenic variant, nor has it been reported as a benign variant to our knowledge. The R307K variant is not observed at a significant frequency in large population cohorts (Lek et al., 2016; 1000 Genomes Consortium et al., 2015; Exome Variant Server). The R307K variant is a conservative amino acid substitution, which is not likely to impact secondary protein structure as these residues share similar properties. Additionally, this substitution occurs at a position that is not conserved. However, a missense variant in a nearby residue (S312N) has been reported in the Human Gene Mutation Database in association with a CLN5-related disorder (Stenson et al., 2014). In silico analysis is inconsistent in its predictions as to whether or not the variant is damaging to the protein structure/function. Therefore, based on the currently available information, it is unclear whether this variant is a pathogenic variant or a rare benign variant.

Natera, Inc.
Classification: Uncertain significance for Neuronal ceroid lipofuscinosis. Last evaluated: 2020-10-24. Review status: no assertion criteria provided. Collection method: clinical testing. Allele origin: germline. Not counted in ClinVar's aggregate classification.

NM_006493.4(CLN5):c.773G>A (p.Arg258Lys)

Gene: CLN5 (CLN5 lysosomal BMP synthase; plus strand). Cytogenetic location: 13q22.3.
Variant type: single nucleotide variant.
Coding change: c.773G>A on transcript NM_006493.4 (MANE Select); coding-DNA position 773, G replaced by A.
Protein change: p.Arg258Lys; replaces arginine 258 with lysine.
Molecular consequence: missense variant. On other transcripts: 3 prime UTR variant (1).
Genome position (GRCh38, 1-based): chr13:77,000,665, G>A. VCF-style: chr13-77000665-G-A. GRCh37 (hg19) VCF-style: chr13-77574800-G-A.
Other names: c.920G>A (LRG_692t1); c.*222G>A (NM_001366624.2); short protein forms R258K.
Identifiers: ClinVar variation 423209 (VCV000423209.5), dbSNP rs376675270, ClinGen allele CA7007255.
Genomic context (GRCh38, chr13:77,000,665, plus strand): 5'-CCTTTAACAAGTTGGCTGAATTTGGAGCAGAGTTCAAGAACATAGAAACCAACTATACAA[G>A]AATATTTCTTTACAGTGGAGAACCTACTTATCTGGGAAATGAAACATCTGTTTTTGGGCC-3'
Protein context (NP_006484.2, residues 248-268): EFKNIETNYT[Arg258Lys]IFLYSGEPTY